The following is an entry in ClinVar:

ClinVar aggregate classification (germline): Likely benign (1 of 4 stars; one submission).

Submission:

CeGaT Center for Human Genetics Tuebingen
Classification: Likely benign. Last evaluated: 2026-02-01. Review status: criteria provided, single submitter. Criteria: CeGaT Center For Human Genetics Tuebingen Variant Classification Criteria Version 2. Collection method: clinical testing. Allele origin: germline. Affected: yes. Observed: 1 variant allele.
Comment: PLIN4: BP4

NM_001367868.2(PLIN4):c.2593C>T (p.Leu865Phe)

Gene: PLIN4 (perilipin 4; minus strand). Cytogenetic location: 19p13.3.
Variant type: single nucleotide variant.
Coding change: c.2593C>T on transcript NM_001367868.2 (MANE Select); coding-DNA position 2593, C replaced by T.
Protein change: p.Leu865Phe; replaces leucine 865 with phenylalanine.
Molecular consequence: missense variant.
Genome position (GRCh38, 1-based): chr19:4,511,367, G>A on the plus strand (C>T on the coding strand, the complement: PLIN4 is on the minus strand). VCF-style: chr19-4511367-G-A. GRCh37 (hg19) VCF-style: chr19-4511379-G-A.
Other names: c.2596C>T, p.Leu866Phe (NM_001393888.1, NM_001393889.1); c.2593C>T, p.Leu865Phe (NM_001393890.1, NM_001393891.1); short protein forms L865F, L866F.
Identifiers: ClinVar variation 4821428 (VCV004821428.4).
Genomic context (GRCh38, chr19:4,511,367, plus strand): 5'-CCAGGCCCCCCTGGACGGCCCCTTTGGCCACTTTCGCAGCACCGGTCACCCCACTGCCAA[G>A]GGTGTTCTTTGTACCTGTTGCGATATTTTGGGTCGTTTTCAGCCCAGTTTGCACAGCACC-3'
Protein context (NP_001354797.1, residues 855-875): QNIATGTKNT[Leu865Phe]GSGVTGAAKV